The following is an entry in ClinVar:

NM_000368.5(TSC1):c.13G>A (p.Ala5Thr)

Gene: TSC1 (TSC complex subunit 1; minus strand). Cytogenetic location: 9q34.13.
Variant type: single nucleotide variant.
Coding change: c.13G>A on transcript NM_000368.5 (MANE Select); coding-DNA position 13, G replaced by A.
Protein change: p.Ala5Thr; replaces alanine 5 with threonine.
Molecular consequence: missense variant. On other transcripts: 5 prime UTR variant (1).
Genome position (GRCh38, 1-based): chr9:132,928,860, C>T on the plus strand (G>A on the coding strand, the complement: TSC1 is on the minus strand). VCF-style: chr9-132928860-C-T. GRCh37 (hg19) VCF-style: chr9-135804247-C-T.
Other names: c.13G>A, p.Ala5Thr (NM_001162426.2, NM_001162427.2); c.-247G>A (NM_001362177.2); c.13G>A (NM_000368.4); short protein forms A5T.
Identifiers: ClinVar variation 1499739 (VCV001499739.10), dbSNP rs2132297148, ClinGen allele CA375375450.

ClinVar aggregate classification (germline): Conflicting classifications of pathogenicity. Review status: criteria provided, conflicting classifications (1 of 4 stars). 2 submissions from 2 submitters: Uncertain significance (1); Likely benign (1). Last evaluated 2026-06-22.

Conditions:
Hereditary cancer-predisposing syndrome. Also called: Hereditary Cancer Syndrome; Tumor predisposition; Neoplastic Syndromes, Hereditary; Hereditary neoplastic syndrome. Identifiers: Orphanet 140162, MedGen C0027672, MeSH D009386, MONDO:0015356.
Tuberous sclerosis 1 (TSC1). Identifiers: Orphanet 805, MedGen C1854465, MONDO:0008612, OMIM 191100.

Allele frequency attached by ClinVar (database versions not stated): gnomAD exomes below 0.00001.
gnomAD v4.1: 1 of 1,614,186 alleles (0.000062%); highest among the groups gnomAD compares: East Asian, 0.0022%; no homozygotes.

Submissions (2):

Ambry Genetics
Classification: Likely benign for Hereditary cancer-predisposing syndrome. Last evaluated: 2026-06-22. Review status: criteria provided, single submitter. Criteria: Ambry Variant Classification Scheme 2023. Collection method: clinical testing. Allele origin: germline.

Labcorp Genetics (formerly Invitae), Labcorp
Classification: Uncertain significance for Tuberous sclerosis 1. Last evaluated: 2020-12-18. Review status: criteria provided, single submitter. Criteria: Invitae Variant Classification Sherloc (09022015). Collection method: clinical testing. Allele origin: germline.
Comment: In summary, the available evidence is currently insufficient to determine the role of this variant in disease. Therefore, it has been classified as a Variant of Uncertain Significance. Algorithms developed to predict the effect of missense changes on protein structure and function output the following: SIFT: "Tolerated"; PolyPhen-2: "Benign"; Align-GVGD: "Class C0". The threonine amino acid residue is found in multiple mammalian species, suggesting that this missense change does not adversely affect protein function. These predictions have not been confirmed by published functional studies and their clinical significance is uncertain. This variant has not been reported in the literature in individuals with TSC1-related conditions. This variant is not present in population databases (ExAC no frequency). This sequence change replaces alanine with threonine at codon 5 of the TSC1 protein (p.Ala5Thr). The alanine residue is moderately conserved and there is a small physicochemical difference between alanine and threonine.